The following is an entry in ClinVar:

NM_032608.7(MYO18B):c.3184G>A (p.Glu1062Lys)

Gene: MYO18B (myosin XVIIIB; plus strand). Cytogenetic location: 22q12.1.
Variant type: single nucleotide variant.
Coding change: c.3184G>A on transcript NM_032608.7 (MANE Select); coding-DNA position 3184, G replaced by A.
Protein change: p.Glu1062Lys; replaces glutamic acid 1062 with lysine.
Molecular consequence: missense variant.
Genome position (GRCh38, 1-based): chr22:25,835,419, G>A. VCF-style: chr22-25835419-G-A. GRCh37 (hg19) VCF-style: chr22-26231386-G-A.
Other names: c.3184G>A (NM_032608.5); c.3187G>A, p.Glu1063Lys (NM_001318245.2); short protein forms E1062K, E1063K.
Identifiers: ClinVar variation 1897420 (VCV001897420.6), dbSNP rs780365829, ClinGen allele CA10160478.
Genomic context (GRCh38, chr22:25,835,419, plus strand): 5'-GAAGTCCATGTAGAGGGCTCCAGTGACAGTGTGGTGCTCGAGCGTCTGTGTGCTGCTTTC[G>A]AGAAGAAAGGAGCTGGGACTGAAGGTAAGGAAGCAGGGGGCTGGGGATGGGGCCTGAGTC-3'
Protein context (NP_115997.5, residues 1052-1072): VVLERLCAAF[Glu1062Lys]KKGAGTEGSS

ClinVar aggregate classification (germline): Uncertain significance. Review status: criteria provided, multiple submitters, no conflicts (2 of 4 stars). 2 submissions from 2 submitters: Uncertain significance (2). Last evaluated 2026-01-15.

Conditions:
Inborn genetic diseases. Identifiers: MedGen C0950123, MeSH D030342.

Allele frequency attached by ClinVar (database versions not stated): gnomAD exomes 0.00006; ExAC 0.00012.
gnomAD v4.1: 84 of 1,613,778 alleles (0.0052%); highest among the groups gnomAD compares: South Asian, 0.058%; 2 homozygotes.

Submissions (2):

Labcorp Genetics (formerly Invitae), Labcorp
Classification: Uncertain significance. Last evaluated: 2026-01-15. Review status: criteria provided, single submitter. Criteria: Invitae Variant Classification Sherloc (09022015). Collection method: clinical testing. Allele origin: germline.
Comment: This sequence change replaces glutamic acid, which is acidic and polar, with lysine, which is basic and polar, at codon 1062 of the MYO18B protein (p.Glu1062Lys). This variant is present in population databases (rs780365829, gnomAD 0.06%). This variant has not been reported in the literature in individuals affected with MYO18B-related conditions. ClinVar contains an entry for this variant (Variation ID: 1897420). An algorithm developed to predict the effect of missense changes on protein structure and function (PolyPhen-2) suggests that this variant is likely to be disruptive. In summary, the available evidence is currently insufficient to determine the role of this variant in disease. Therefore, it has been classified as a Variant of Uncertain Significance.

Ambry Genetics
Classification: Uncertain significance for Inborn genetic diseases. Last evaluated: 2023-05-23. Review status: criteria provided, single submitter. Criteria: Ambry Variant Classification Scheme 2023. Collection method: clinical testing. Allele origin: germline.